The following is an entry in ClinVar:

NM_003036.4(SKI):c.793A>G (p.Lys265Glu)

Gene: SKI (SKI proto-oncogene; plus strand). Cytogenetic location: 1p36.33.
Variant type: single nucleotide variant.
Coding change: c.793A>G on transcript NM_003036.4 (MANE Select); coding-DNA position 793, A replaced by G.
Protein change: p.Lys265Glu; replaces lysine 265 with glutamic acid.
Molecular consequence: missense variant.
Genome position (GRCh38, 1-based): chr1:2,229,559, A>G. VCF-style: chr1-2229559-A-G. GRCh37 (hg19) VCF-style: chr1-2160998-A-G.
Other names: short protein forms K265E.
Identifiers: ClinVar variation 1311790 (VCV001311790.3), dbSNP rs2100790915, ClinGen allele CA337955501.

ClinVar aggregate classification (germline): Uncertain significance. Review status: criteria provided, multiple submitters, no conflicts (2 of 4 stars). 2 submissions from 2 submitters: Uncertain significance (2). Last evaluated 2025-04-30.

Conditions:
Familial thoracic aortic aneurysm and aortic dissection (TAAD). Also called: Thoracic aortic aneurysms and dissections. Identifiers: Orphanet 91387, MedGen C4707243, MONDO:0019625.

Submissions (2):

Ambry Genetics
Classification: Uncertain significance for Familial thoracic aortic aneurysm and aortic dissection. Last evaluated: 2025-04-30. Review status: criteria provided, single submitter. Criteria: Ambry Variant Classification Scheme 2023. Collection method: clinical testing. Allele origin: germline.
Comment: The p.K265E variant (also known as c.793A>G), located in coding exon 1 of the SKI gene, results from an A to G substitution at nucleotide position 793. The lysine at codon 265 is replaced by glutamic acid, an amino acid with similar properties. This amino acid position is conserved. In addition, this alteration is predicted to be deleterious by in silico analysis. Based on the available evidence, the clinical significance of this variant remains unclear.

GeneDx
Classification: Uncertain significance. Last evaluated: 2020-01-18. Review status: criteria provided, single submitter. Criteria: GeneDx Variant Classification Process June 2021. Collection method: clinical testing. Allele origin: germline. Affected: yes.
Comment: Not observed in large population cohorts (Lek et al., 2016); In silico analysis, which includes protein predictors and evolutionary conservation, supports a deleterious effect; Has not been previously published as pathogenic or benign to our knowledge